The following is an entry in ClinVar:

NM_002528.7(NTHL1):c.260A>C (p.Gln87Pro)

Gene: NTHL1 (nth like DNA glycosylase 1; minus strand). Cytogenetic location: 16p13.3.
Variant type: single nucleotide variant.
Coding change: c.260A>C on transcript NM_002528.7 (MANE Select); coding-DNA position 260, A replaced by C.
Protein change: p.Gln87Pro; replaces glutamine 87 with proline.
Molecular consequence: missense variant. On other transcripts: intron variant (1).
Genome position (GRCh38, 1-based): chr16:2,046,222, T>G on the plus strand (A>C on the coding strand, the complement: NTHL1 is on the minus strand). VCF-style: chr16-2046222-T-G. GRCh37 (hg19) VCF-style: chr16-2096223-T-G.
Other names: c.260A>C, p.Gln87Pro (NM_001318193.2); c.24+58A>C (NM_001318194.2); short protein forms Q87P.
Identifiers: ClinVar variation 4861230 (VCV004861230.1).
Genomic context (GRCh38, chr16:2,046,222, plus strand): 5'-GTCCCCAGATGGTCCACAGGTGCATCCTTTTTGTTCCTCATGGCACGGATGTTGACCAGC[T>G]GTTGCTGCCAGTCCTGGGGCTCCCAGACTGGCACCTTGAGGGGCTCAGCCCCCTCACCTT-3'
Protein context (NP_002519.2, residues 77-97): PVWEPQDWQQ[Gln87Pro]LVNIRAMRNK

ClinVar aggregate classification (germline): Uncertain significance (1 of 4 stars; one submission).

Conditions:
Hereditary cancer-predisposing syndrome. Also called: Neoplastic Syndromes, Hereditary; Tumor predisposition; Hereditary Cancer Syndrome; Hereditary neoplastic syndrome. Identifiers: Orphanet 140162, MedGen C0027672, MeSH D009386, MONDO:0015356.

Submission:

Ambry Genetics
Classification: Uncertain significance for Hereditary cancer-predisposing syndrome. Last evaluated: 2026-04-11. Review status: criteria provided, single submitter. Criteria: Ambry Variant Classification Scheme 2023. Collection method: clinical testing. Allele origin: germline.
Comment: The p.Q95P variant (also known as c.284A>C), located in coding exon 2 of the NTHL1 gene, results from an A to C substitution at nucleotide position 284. The glutamine at codon 95 is replaced by proline, an amino acid with similar properties. This amino acid position is conserved. In addition, this alteration is predicted to be tolerated by in silico analysis. Based on the available evidence, the clinical significance of this variant remains unclear.